The following is an entry in ClinVar:

NM_022773.4(LMF1):c.718T>C (p.Phe240Leu)

Gene: LMF1 (lipase maturation factor 1; minus strand). Cytogenetic location: 16p13.3.
Variant type: single nucleotide variant.
Coding change: c.718T>C on transcript NM_022773.4 (MANE Select); coding-DNA position 718, T replaced by C.
Protein change: p.Phe240Leu; replaces phenylalanine 240 with leucine.
Molecular consequence: missense variant. On other transcripts: non-coding transcript variant (1).
Genome position (GRCh38, 1-based): chr16:893,018, A>G on the plus strand (T>C on the coding strand, the complement: LMF1 is on the minus strand). VCF-style: chr16-893018-A-G. GRCh37 (hg19) VCF-style: chr16-943018-A-G.
Other names: c.718T>C (NM_022773.3, NM_022773.2); c.67T>C, p.Phe23Leu (NM_001352017.2, NM_001352021.2); c.319T>C, p.Phe107Leu (NM_001352018.2); c.391T>C, p.Phe131Leu (NM_001352019.2); c.718T>C, p.Phe240Leu (NM_001352020.1); short protein forms F131L, F240L, F23L, F107L.
Identifiers: ClinVar variation 2051089 (VCV002051089.6), dbSNP rs34295987, ClinGen allele CA7797405.
Genomic context (GRCh38, chr16:893,018, plus strand): 5'-GGCGGCGTGAGACCGGGTGCCCTGCCCTCACGCTGCACGGCACGCTCACCTCATAGTGGA[A>G]GTCCATGCAGGTGAGGTCTCGCCAGCACCGGTCCCCCCGGATCTTGATCAGGCCCTGCAA-3'
Protein context (NP_073610.2, residues 230-250): RCWRDLTCMD[Phe240Leu]HYETQPMPNP

ClinVar aggregate classification (germline): Conflicting classifications of pathogenicity. Review status: criteria provided, conflicting classifications (1 of 4 stars). 3 submissions from 3 submitters: Uncertain significance (2); Likely benign (1). Last evaluated 2025-07-23.

Conditions:
Lipase deficiency, combined. Also called: LIPOPROTEIN LIPASE DEFICIENCY WITH HEPATIC TRIGLYCERIDE LIPASE DEFICIENCY; LPL AND HL DEFICIENCY; LPL AND HTGL DEFICIENCY. Identifiers: Orphanet 535453, MedGen C1855498, MONDO:0009527, OMIM 246650.
Cardiovascular phenotype. Identifiers: MedGen CN230736.

Allele frequency attached by ClinVar (database versions not stated): gnomAD exomes 0.00007; ExAC 0.00016; ESP Exome Variant Server 0.00042; 1000 Genomes Project 0.00080; gnomAD 0.00084; TOPMed 0.00088; 1000 Genomes Project 30x 0.00125.
gnomAD v4.1: 231 of 1,550,508 alleles (0.015%); highest among the groups gnomAD compares: African/African-American, 0.3%; no homozygotes.

Submissions (3):

Labcorp Genetics (formerly Invitae), Labcorp
Classification: Likely benign. Last evaluated: 2025-07-23. Review status: criteria provided, single submitter. Criteria: Invitae Variant Classification Sherloc (09022015). Collection method: clinical testing. Allele origin: germline.

Ambry Genetics
Classification: Uncertain significance for Cardiovascular phenotype. Last evaluated: 2025-02-26. Review status: criteria provided, single submitter. Criteria: Ambry Variant Classification Scheme 2023. Collection method: clinical testing. Allele origin: germline.
Comment: The p.F240L variant (also known as c.718T>C), located in coding exon 5 of the LMF1 gene, results from a T to C substitution at nucleotide position 718. The phenylalanine at codon 240 is replaced by leucine, an amino acid with highly similar properties. This amino acid position is not well conserved in available vertebrate species. In addition, this alteration is predicted to be tolerated by in silico analysis. Based on the available evidence, the clinical significance of this variant remains unclear.

New York Genome Center
Classification: Uncertain significance for Lipase deficiency, combined. Last evaluated: 2022-03-17. Review status: criteria provided, single submitter. Criteria: NYGC Assertion Criteria 2020. Collection method: clinical testing. Allele origin: germline. Observed: 1 heterozygote.